The following is an entry in ClinVar:

ClinVar aggregate classification (germline): Uncertain significance. Review status: criteria provided, multiple submitters, no conflicts (2 of 4 stars). 3 submissions from 3 submitters: Uncertain significance (2). 1 of the submissions does not count toward it. Last evaluated 2025-10-22.

Conditions:
Hereditary cancer-predisposing syndrome. Also called: Hereditary Cancer Syndrome; Tumor predisposition; Hereditary neoplastic syndrome; Neoplastic Syndromes, Hereditary. Identifiers: Orphanet 140162, MedGen C0027672, MeSH D009386, MONDO:0015356.
Bloom syndrome (BLM). Also called: Bloom-Torre-Machacek syndrome. Identifiers: Orphanet 125, MedGen C0005859, MONDO:0008876, OMIM 210900.

Allele frequency attached by ClinVar (database versions not stated): gnomAD exomes below 0.00001 and 0.00001; ExAC 0.00002.
gnomAD v4.1: 2 of 1,605,224 alleles (0.00012%); highest among the groups gnomAD compares: East Asian, 0.0022%; no homozygotes.

Submissions (3):

Labcorp Genetics (formerly Invitae), Labcorp
Classification: Uncertain significance for Bloom syndrome. Last evaluated: 2025-10-22. Review status: criteria provided, single submitter. Criteria: Invitae Variant Classification Sherloc (09022015). Collection method: clinical testing. Allele origin: germline.
Comment: This sequence change replaces glutamic acid, which is acidic and polar, with glutamine, which is neutral and polar, at codon 1035 of the BLM protein (p.Glu1035Gln). This variant is present in population databases (rs764965627, gnomAD 0.006%). This variant has not been reported in the literature in individuals affected with BLM-related conditions. ClinVar contains an entry for this variant (Variation ID: 1043996). Invitae Evidence Modeling of protein sequence and biophysical properties (such as structural, functional, and spatial information, amino acid conservation, physicochemical variation, residue mobility, and thermodynamic stability) indicates that this missense variant is expected to disrupt BLM protein function with a positive predictive value of 80%. In summary, the available evidence is currently insufficient to determine the role of this variant in disease. Therefore, it has been classified as a Variant of Uncertain Significance.

Ambry Genetics
Classification: Uncertain significance for Hereditary cancer-predisposing syndrome. Last evaluated: 2025-04-07. Review status: criteria provided, single submitter. Criteria: Ambry Variant Classification Scheme 2023. Collection method: clinical testing. Allele origin: germline.
Comment: The p.E1035Q variant (also known as c.3103G>C), located in coding exon 15 of the BLM gene, results from a G to C substitution at nucleotide position 3103. The glutamic acid at codon 1035 is replaced by glutamine, an amino acid with highly similar properties. This amino acid position is conserved. In addition, the in silico prediction for this alteration is inconclusive. Since supporting evidence is limited at this time, the clinical significance of this alteration remains unclear.

Natera, Inc.
Classification: Uncertain significance for Bloom syndrome. Last evaluated: 2019-01-22. Review status: no assertion criteria provided. Collection method: clinical testing. Allele origin: germline. Not counted in ClinVar's aggregate classification.

NM_000057.4(BLM):c.3103G>C (p.Glu1035Gln)

Gene: BLM (BLM RecQ like helicase; plus strand). Cytogenetic location: 15q26.1.
Variant type: single nucleotide variant.
Coding change: c.3103G>C on transcript NM_000057.4 (MANE Select); coding-DNA position 3103, G replaced by C.
Protein change: p.Glu1035Gln; replaces glutamic acid 1035 with glutamine.
Molecular consequence: missense variant.
Genome position (GRCh38, 1-based): chr15:90,794,250, G>C. VCF-style: chr15-90794250-G-C. GRCh37 (hg19) VCF-style: chr15-91337480-G-C.
Other names: c.3103G>C (NM_000057.2); c.3103G>C, p.Glu1035Gln (NM_001287246.2, NM_001287247.2); c.1978G>C, p.Glu660Gln (NM_001287248.2); short protein forms E1035Q, E660Q.
Identifiers: ClinVar variation 1043996 (VCV001043996.14), dbSNP rs764965627, ClinGen allele CA7738940.
Genomic context (GRCh38, chr15:90,794,250, plus strand): 5'-ACAAGAGAAACTCACTTCAATAATTTGTATAGCATGGTACATTACTGTGAAAATATAACG[G>C]AATGCAGGAGAATACAGCTTTTGGCCTACTTTGGTGAAAATGGATTTAATCCTGATTTTT-3'
Protein context (NP_000048.1, residues 1025-1045): SMVHYCENIT[Glu1035Gln]CRRIQLLAYF